The following is an entry in ClinVar:

NM_000059.4(BRCA2):c.7289A>T (p.Glu2430Val)

Gene: BRCA2 (BRCA2 DNA repair associated; plus strand). Cytogenetic location: 13q13.1.
Variant type: single nucleotide variant.
Coding change: c.7289A>T on transcript NM_000059.4 (MANE Select); coding-DNA position 7289, A replaced by T.
Protein change: p.Glu2430Val; replaces glutamic acid 2430 with valine.
Molecular consequence: missense variant.
Genome position (GRCh38, 1-based): chr13:32,355,142, A>T. VCF-style: chr13-32355142-A-T. GRCh37 (hg19) VCF-style: chr13-32929279-A-T.
Other names: c.7193A>T, p.Glu2398Val (NM_001406719.1); c.7289A>T, p.Glu2430Val (NM_001406720.1); c.2357A>T, p.Glu786Val (NM_001406721.1); c.872A>T, p.Glu291Val (NM_001406722.1); short protein forms E2398V, E2430V, E786V, E291V.
Identifiers: ClinVar variation 2119285 (VCV002119285.5), dbSNP rs2137557677, ClinGen allele CA387740794.

ClinVar aggregate classification (germline): Uncertain significance. Review status: criteria provided, multiple submitters, no conflicts (2 of 4 stars). 2 submissions from 2 submitters: Uncertain significance (2). Last evaluated 2024-05-30.

Conditions:
Hereditary breast ovarian cancer syndrome. Also called: Hereditary breast and ovarian cancer syndrome (HBOC); Hereditary breast and/or ovarian cancer syndrome; Hereditary breast and ovarian cancer; BRCA1- and BRCA2-Associated Hereditary Breast and Ovarian Cancer; Breast and ovarian cancer; Hereditary breast and ovarian cancer syndrome. Identifiers: Orphanet 145, MedGen C0677776, MeSH D061325, MONDO:0003582. Disease mechanism: loss of function.
BRCA2-related cancer predisposition. Identifiers: MedGen CN377758, MONDO:0700269.

Submissions (2):

All of Us Research Program, National Institutes of Health
Classification: Uncertain significance for BRCA2-related cancer predisposition. Last evaluated: 2024-05-30. Review status: criteria provided, single submitter. Criteria: ACMG Guidelines, 2015. Collection method: clinical testing. Allele origin: germline. Inheritance: Autosomal dominant inheritance. Observed: 1 variant allele, 1 heterozygote.
Comment: This missense variant replaces glutamic acid with valine at codon 2430 of the BRCA2 protein. Computational prediction suggests that this variant may not impact protein structure and function (internally defined REVEL score threshold <= 0.5, PMID: 27666373). To our knowledge, functional studies have not been reported for this variant. This variant has not been reported in individuals affected with BRCA2-related disorders in the literature. This variant has not been identified in the general population by the Genome Aggregation Database (gnomAD). The available evidence is insufficient to determine the role of this variant in disease conclusively. Therefore, this variant is classified as a Variant of Uncertain Significance.

This study involves interpretation of variants in research participants for the purpose of population health screening. Participant phenotype was not available at the time of variant classification. Additional details can be found in publication PMID: 35346344, PMCID: PMC8962531

Labcorp Genetics (formerly Invitae), Labcorp
Classification: Uncertain significance for Hereditary breast ovarian cancer syndrome. Last evaluated: 2022-03-29. Review status: criteria provided, single submitter. Criteria: Invitae Variant Classification Sherloc (09022015). Collection method: clinical testing. Allele origin: germline.
Comment: In summary, the available evidence is currently insufficient to determine the role of this variant in disease. Therefore, it has been classified as a Variant of Uncertain Significance. Advanced modeling of protein sequence and biophysical properties (such as structural, functional, and spatial information, amino acid conservation, physicochemical variation, residue mobility, and thermodynamic stability) performed at Invitae indicates that this missense variant is not expected to disrupt BRCA2 protein function. This variant has not been reported in the literature in individuals affected with BRCA2-related conditions. This variant is not present in population databases (gnomAD no frequency). This sequence change replaces glutamic acid, which is acidic and polar, with valine, which is neutral and non-polar, at codon 2430 of the BRCA2 protein (p.Glu2430Val).